The following is an entry in ClinVar:

ClinVar aggregate classification (germline): Uncertain significance (1 of 4 stars; one submission).

Allele frequency attached by ClinVar (database versions not stated): TOPMed below 0.00001.

Submission:

Women's Health and Genetics/Laboratory Corporation of America, LabCorp
Classification: Uncertain significance. Last evaluated: 2022-06-03. Review status: criteria provided, single submitter. Criteria: LabCorp Variant Classification Summary - May 2015. Collection method: clinical testing. Allele origin: germline.
Comment: Variant summary: MAPK8IP3 c.1813A>G (p.Thr605Ala) results in a non-conservative amino acid change in the encoded protein sequence. Three of five in-silico tools predict a benign effect of the variant on protein function. The variant was absent in 248836 control chromosomes. The available data on variant occurrences in the general population are insufficient to allow any conclusion about variant significance. To our knowledge, no occurrence of c.1813A>G in individuals affected with Neurodevelopmental Disorder With Or Without Variable Brain Abnormalities; NEDBA and no experimental evidence demonstrating its impact on protein function have been reported. No clinical diagnostic laboratories have submitted clinical-significance assessments for this variant to ClinVar after 2014. Based on the evidence outlined above, the variant was classified as uncertain significance.

NM_001318852.2(MAPK8IP3):c.1816A>G (p.Thr606Ala)

Gene: MAPK8IP3 (mitogen-activated protein kinase 8 interacting protein 3; plus strand). Cytogenetic location: 16p13.3.
Variant type: single nucleotide variant.
Coding change: c.1816A>G on transcript NM_001318852.2 (MANE Select); coding-DNA position 1816, A replaced by G.
Protein change: p.Thr606Ala; replaces threonine 606 with alanine.
Molecular consequence: missense variant.
Genome position (GRCh38, 1-based): chr16:1,762,924, A>G. VCF-style: chr16-1762924-A-G. GRCh37 (hg19) VCF-style: chr16-1812925-A-G.
Other names: c.1795A>G, p.Thr599Ala (NM_001040439.2); c.1813A>G, p.Thr605Ala (NM_015133.5); short protein forms T599A, T605A, T606A.
Identifiers: ClinVar variation 1698472 (VCV001698472.1), dbSNP rs1235244843, ClinGen allele CA394232838.
Genomic context (GRCh38, chr16:1,762,924, plus strand): 5'-AGCCCCCCTCCGGCCAAGCGCCCCTATCCCTCGGTGAACATCCACTACAAGTCACCCACC[A>G]CTGCCGGCTTCAGCCAGCGCCGCAACCATGCCATGTGCCCGATCTCGGCAGGCAGCCGGC-3'
Protein context (NP_001305781.1, residues 596-616): SVNIHYKSPT[Thr606Ala]AGFSQRRNHA